The following is an entry in ClinVar:

NM_006231.4(POLE):c.1168del (p.Gln390fs)

Gene: POLE (DNA polymerase epsilon, catalytic subunit; minus strand). Cytogenetic location: 12q24.33.
Variant type: Deletion.
Coding change: c.1168del on transcript NM_006231.4 (MANE Select); coding-DNA position 1168, one base deleted (C; older notation c.1168delC).
Protein change: p.Gln390fs; shifts the reading frame from glutamine 390.
Molecular consequence: frameshift variant.
Genome position (GRCh38, 1-based): chr12:132,675,456, G deleted on the plus strand (C on the coding strand, the reverse complement: POLE is on the minus strand); the first of 2 consecutive G bases (chr12:132,675,456-132,675,457); deleting either gives the same sequence. VCF-style (leftmost placement, unchanged base first): chr12-132675455-TG-T. GRCh37 (hg19) VCF-style: chr12-133252041-TG-T.
Other names: c.1168delC (NM_006231.2); short protein forms Q390fs.
Identifiers: ClinVar variation 1709984 (VCV001709984.8), dbSNP rs2542158546, ClinGen allele CA2580086095.
Genomic context (GRCh38, chr12:132,675,455, plus strand): 5'-TACCTGAGGCAGTCCATGTGGATGCACTGGGGCGCCTTGTACTCCCCCTGGCTGTCCTTC[TG>T]GAAGCCTATCTCCTGCTGCATGCTCAGACCGTGGACTGCTGCCCGGGCCTCCACAAATGG-3'

ClinVar aggregate classification (germline): Conflicting classifications of pathogenicity. Review status: criteria provided, conflicting classifications (1 of 4 stars). 3 submissions from 3 submitters: Pathogenic (1); Uncertain significance (2). Last evaluated 2024-12-27.

Conditions:
Hereditary cancer-predisposing syndrome. Also called: Neoplastic Syndromes, Hereditary; Tumor predisposition; Hereditary Cancer Syndrome; Hereditary neoplastic syndrome. Identifiers: Orphanet 140162, MedGen C0027672, MeSH D009386, MONDO:0015356.
Colorectal cancer, susceptibility to, 12 (CRCS12). Also called: COLORECTAL CANCER, SUSCEPTIBILITY TO, ON CHROMOSOME 12q24. Identifiers: Orphanet 220460, MedGen C3554460, MONDO:0014038, OMIM 615083.

Submissions (3):

Ambry Genetics
Classification: Uncertain significance for Hereditary cancer-predisposing syndrome. Last evaluated: 2024-12-27. Review status: criteria provided, single submitter. Criteria: Ambry Variant Classification Scheme 2023. Collection method: clinical testing. Allele origin: germline.
Comment: The c.1168delC variant, located in coding exon 12 of the POLE gene, results from a deletion of one nucleotide at nucleotide position 1168, causing a translational frameshift with a predicted alternate stop codon (p.Q390Rfs*22). This alteration is expected to result in loss of function by premature protein truncation or nonsense-mediated mRNA decay. Loss-of-function variants subject to nonsense mediated decay (NMD) in POLE are known to cause POLE deficiency; however, such associations with POLE-related polymerase proofreading-associated polyposis (PPAP) have not been reported. Based on the supporting evidence, this alteration is pathogenic for POLE deficiency; however, the association of this alteration with POLE related PPAP is unknown.

Labcorp Genetics (formerly Invitae), Labcorp
Classification: Pathogenic. Last evaluated: 2024-01-02. Review status: criteria provided, single submitter. Criteria: Invitae Variant Classification Sherloc (09022015). Collection method: clinical testing. Allele origin: germline.
Comment: This sequence change creates a premature translational stop signal (p.Gln390Argfs*22) in the POLE gene. It is expected to result in an absent or disrupted protein product. Loss-of-function variants in POLE are known to be pathogenic (PMID: 23230001, 25948378, 30503519). This variant is not present in population databases (gnomAD no frequency). This variant has not been reported in the literature in individuals affected with POLE-related conditions. ClinVar contains an entry for this variant (Variation ID: 1709984). For these reasons, this variant has been classified as Pathogenic.

MGZ Medical Genetics Center
Classification: Uncertain significance for Colorectal cancer, susceptibility to, 12. Last evaluated: 2021-11-02. Review status: criteria provided, single submitter. Criteria: ACMG Guidelines, 2015. Collection method: clinical testing. Allele origin: germline. Affected: yes. Observed: 1 variant allele.
Comment: ACMG criteria applied: PM2_SUP

Literature cited by the submitters: PubMed 23230001 (cited by Labcorp Genetics (formerly Invitae), Labcorp); PubMed 25948378 (cited by Labcorp Genetics (formerly Invitae), Labcorp); PubMed 30503519 (cited by Labcorp Genetics (formerly Invitae), Labcorp).